The following is an entry in ClinVar:

NM_020184.4(CNNM4):c.2018_2026del (p.Val673_Thr675del)

Gene: CNNM4 (cyclin and CBS domain divalent metal cation transport mediator 4; plus strand). Cytogenetic location: 2q11.2.
Variant type: Deletion.
Coding change: c.2018_2026del on transcript NM_020184.4 (MANE Select); coding-DNA positions 2018 to 2026, 9 bases deleted (TCTCAACTG; older notation c.2018_2026delTCTCAACTG).
Protein change: p.Val673_Thr675del.
Molecular consequence: inframe deletion.
Genome position (GRCh38, 1-based): chr2:96,808,630-96,808,638, TCTCAACTG deleted; deleting any 9 consecutive bases within chr2:96,808,629-96,808,638 gives the same sequence; the c. name uses the placement nearest the transcript's 3' end. VCF-style (leftmost placement, unchanged base first): chr2-96808628-CGTCTCAACT-C. GRCh37 (hg19) VCF-style: chr2-97474365-CGTCTCAACT-C.
Identifiers: ClinVar variation 1358000 (VCV001358000.6), dbSNP rs752975719, ClinGen allele CA1783546.
Genomic context (GRCh38, chr2:96,808,628, plus strand): 5'-CCCAGCACACCCCACCCCACTCAGCCGCTCAGCCTCCCTCAGTTACCCAGACCGCACAGA[CGTCTCAACT>C]GCAGCAACCTTGGCAGGCAGCAGCAACCAGTTTGGCAGCTCTGTCCTGGGCCAGTACATC-3'

ClinVar aggregate classification (germline): Uncertain significance (1 of 4 stars; one submission).

Submission:

Labcorp Genetics (formerly Invitae), Labcorp
Classification: Uncertain significance. Last evaluated: 2023-07-07. Review status: criteria provided, single submitter. Criteria: Invitae Variant Classification Sherloc (09022015). Collection method: clinical testing. Allele origin: germline.
Comment: This variant, c.2018_2026del, results in the deletion of 3 amino acid(s) of the CNNM4 protein (p.Val673_Thr675del), but otherwise preserves the integrity of the reading frame. This variant is present in population databases (rs752975719, gnomAD 0.02%). This variant has not been reported in the literature in individuals affected with CNNM4-related conditions. ClinVar contains an entry for this variant (Variation ID: 1358000). Experimental studies and prediction algorithms are not available or were not evaluated, and the functional significance of this variant is currently unknown. In summary, the available evidence is currently insufficient to determine the role of this variant in disease. Therefore, it has been classified as a Variant of Uncertain Significance.